The following is an entry in ClinVar:

ClinVar aggregate classification (germline): Uncertain significance (1 of 4 stars; one submission).

Submission:

Laboratory for Molecular Medicine, Mass General Brigham Personalized Medicine
Classification: Uncertain significance. Last evaluated: 2018-04-25. Review status: criteria provided, single submitter. Criteria: LMM Criteria. Collection method: clinical testing. Allele origin: germline. Observed: 3 variant alleles.
Comment: proposed classification - variant undergoing re-assessment, contact laboratory

NM_000257.4(MYH7):c.830T>C (p.Leu277Pro)

Gene: MYH7 (myosin heavy chain 7; minus strand). Cytogenetic location: 14q11.2.
Variant type: single nucleotide variant.
Coding change: c.830T>C on transcript NM_000257.4 (MANE Select); coding-DNA position 830, T replaced by C.
Protein change: p.Leu277Pro; replaces leucine 277 with proline.
Molecular consequence: missense variant.
Genome position (GRCh38, 1-based): chr14:23,430,966, A>G on the plus strand (T>C on the coding strand, the complement: MYH7 is on the minus strand). VCF-style: chr14-23430966-A-G. GRCh37 (hg19) VCF-style: chr14-23900175-A-G.
Other names: short protein forms L277P.
Identifiers: ClinVar variation 177713 (VCV000177713.4), dbSNP rs727504297, ClinGen allele CA016867.
Genomic context (GRCh38, chr14:23,430,966, plus strand): 5'-AGCTCAGGCTTTTTGTTAGACAGGATTTGGTAGAAAATGTGATAATCTCTCTCTGCTTTC[A>G]GCTGGAAAATAACTCTGGATTTTTCCAGAAGATCTGTGAACAGGTGGGGAGAAGAAGGAG-3'
Protein context (NP_000248.2, residues 267-287): LLEKSRVIFQ[Leu277Pro]KAERDYHIFY